The following is an entry in ClinVar:

NM_005228.5(EGFR):c.2615_2617del (p.Glu872del)

Gene: EGFR (epidermal growth factor receptor; plus strand). Cytogenetic location: 7p11.2.
Variant type: Deletion.
Coding change: c.2615_2617del on transcript NM_005228.5 (MANE Select); coding-DNA positions 2615 to 2617, 3 bases deleted (AAG; older notation c.2615_2617delAAG).
Protein change: p.Glu872del; deletes glutamic acid 872.
Molecular consequence: inframe deletion.
Genome position (GRCh38, 1-based): chr7:55,191,864-55,191,866, AAG deleted; deleting any 3 consecutive bases within chr7:55,191,862-55,191,866 gives the same sequence; the c. name uses the placement nearest the transcript's 3' end. VCF-style (leftmost placement, unchanged base first): chr7-55191861-CAGA-C. GRCh37 (hg19) VCF-style: chr7-55259554-CAGA-C.
Other names: c.2480_2482del, p.Glu827del (NM_001346897.2, NM_001346899.2); c.2615_2617del, p.Glu872del (NM_001346898.2); c.2456_2458del, p.Glu819del (NM_001346900.2); c.1814_1816del, p.Glu605del (NM_001346941.2); c.2615_2617delAAG (NM_005228.3); short protein forms E605del, E827del, E819del, E872del.
Identifiers: ClinVar variation 1426453 (VCV001426453.9), dbSNP rs2128964704, ClinGen allele CA2573142251.

ClinVar aggregate classification (germline): Uncertain significance. Review status: criteria provided, multiple submitters, no conflicts (2 of 4 stars). 2 submissions from 2 submitters: Uncertain significance (2). Last evaluated 2026-08-05.

Conditions:
Hereditary cancer-predisposing syndrome. Also called: Hereditary Cancer Syndrome; Neoplastic Syndromes, Hereditary; Hereditary neoplastic syndrome; Tumor predisposition. Identifiers: Orphanet 140162, MedGen C0027672, MeSH D009386, MONDO:0015356.
EGFR-related lung cancer (EGFR). Identifiers: MedGen CN130014.

Submissions (2):

Ambry Genetics
Classification: Uncertain significance for Hereditary cancer-predisposing syndrome. Last evaluated: 2026-08-05. Review status: criteria provided, single submitter. Criteria: Ambry Variant Classification Scheme 2023. Collection method: clinical testing. Allele origin: germline.
Comment: The c.2615_2617delAAG variant (also known as p.E872del) is located in coding exon 21 of the EGFR gene. This variant results from an in-frame AAG deletion at nucleotide positions 2615 to 2617. This results in the in-frame deletion of a glutamic acid at codon 872. This amino acid position is not well conserved in available vertebrate species. In addition, this variant is predicted to be deleterious by in silico analysis (Choi Y et al. PLoS ONE. 2012; 7(10):e46688). Based on the available evidence, the clinical significance of this variant remains unclear.

Labcorp Genetics (formerly Invitae), Labcorp
Classification: Uncertain significance for EGFR-related lung cancer. Last evaluated: 2025-03-26. Review status: criteria provided, single submitter. Criteria: Invitae Variant Classification Sherloc (09022015). Collection method: clinical testing. Allele origin: germline.
Comment: This variant, c.2615_2617del, results in the deletion of 1 amino acid(s) of the EGFR protein (p.Glu872del), but otherwise preserves the integrity of the reading frame. This variant is not present in population databases (gnomAD no frequency). This variant has not been reported in the literature in individuals affected with EGFR-related conditions. ClinVar contains an entry for this variant (Variation ID: 1426453). Experimental studies and prediction algorithms are not available or were not evaluated, and the functional significance of this variant is currently unknown. In summary, the available evidence is currently insufficient to determine the role of this variant in disease. Therefore, it has been classified as a Variant of Uncertain Significance.